The following is an entry in ClinVar:

NM_015295.3(SMCHD1):c.200C>T (p.Ser67Leu)

Gene: SMCHD1 (structural maintenance of chromosomes flexible hinge domain containing 1; plus strand). Cytogenetic location: 18p11.32.
Variant type: single nucleotide variant.
Coding change: c.200C>T on transcript NM_015295.3 (MANE Select); coding-DNA position 200, C replaced by T.
Protein change: p.Ser67Leu; replaces serine 67 with leucine.
Molecular consequence: missense variant.
Genome position (GRCh38, 1-based): chr18:2,666,170, C>T. VCF-style: chr18-2666170-C-T. GRCh37 (hg19) VCF-style: chr18-2666169-C-T.
Other names: short protein forms S67L.
Identifiers: ClinVar variation 2958689 (VCV002958689.3), dbSNP rs1339052681, ClinGen allele CA401687248.
Genomic context (GRCh38, chr18:2,666,170, plus strand): 5'-TTTATTTCCTTTGTGTAATAAGTGATTTTATTTCTTATTTTGGATAGACACTTGGCATTT[C>T]ACCTGAAGAAAAATTTGTTATTACAACAACAAGTAGGAAAGAAATTACCTGTGATAATTT-3'
Protein context (NP_056110.2, residues 57-77): RACVCQTLGI[Ser67Leu]PEEKFVITTT

ClinVar aggregate classification (germline): Uncertain significance (1 of 4 stars; one submission).

Conditions:
Facioscapulohumeral muscular dystrophy 2 (FSHD2). Also called: MUSCULAR DYSTROPHY, FACIOSCAPULOHUMERAL, TYPE 1B; FACIOSCAPULOHUMERAL MUSCULAR DYSTROPHY 2, DIGENIC; FSHD2, DIGENIC. Identifiers: Orphanet 269, MedGen C1834671, MONDO:0008031, OMIM 158901.

Allele frequency attached by ClinVar (database versions not stated): gnomAD exomes 0.00001; TOPMed 0.00001; gnomAD 0.00002.
gnomAD v4.1: 14 of 1,530,000 alleles (0.00092%); highest among the groups gnomAD compares: African/African-American, 0.0027%; no homozygotes.

Submission:

Labcorp Genetics (formerly Invitae), Labcorp
Classification: Uncertain significance for Facioscapulohumeral muscular dystrophy 2. Last evaluated: 2023-06-14. Review status: criteria provided, single submitter. Criteria: Invitae Variant Classification Sherloc (09022015). Collection method: clinical testing. Allele origin: germline.
Comment: This sequence change replaces serine, which is neutral and polar, with leucine, which is neutral and non-polar, at codon 67 of the SMCHD1 protein (p.Ser67Leu). The frequency data for this variant in the population databases is considered unreliable, as metrics indicate poor data quality at this position in the gnomAD database. This variant has not been reported in the literature in individuals affected with SMCHD1-related conditions. Advanced modeling of protein sequence and biophysical properties (such as structural, functional, and spatial information, amino acid conservation, physicochemical variation, residue mobility, and thermodynamic stability) performed at Invitae indicates that this missense variant is not expected to disrupt SMCHD1 protein function. In summary, the available evidence is currently insufficient to determine the role of this variant in disease. Therefore, it has been classified as a Variant of Uncertain Significance.